The following is an entry in ClinVar:

ClinVar aggregate classification (germline): Benign. Review status: criteria provided, multiple submitters, no conflicts (2 of 4 stars). 3 submissions from 3 submitters: Benign (3). Last evaluated 2018-06-29.

Conditions:
Leukocyte adhesion deficiency type II. Also called: CONGENITAL DISORDER OF GLYCOSYLATION, TYPE IIc; CDG IIc; Congenital disorder of glycosylation type 2C; CDG 2C; Leukocyte adhesion deficiency type 2; Rambam Hasharon syndrome. Identifiers: Orphanet 2968, Orphanet 99843, MedGen C0398739, MONDO:0009953, OMIM 266265.

Allele frequency attached by ClinVar (database versions not stated): 1000 Genomes Project 0.14657; 1000 Genomes Project 30x 0.15256; gnomAD 0.16080 and 0.17005; TOPMed 0.16886.

Submissions (3):

GeneDx
Classification: Benign. Last evaluated: 2018-06-29. Review status: criteria provided, single submitter. Criteria: GeneDx Variant Classification Process June 2021. Collection method: clinical testing. Allele origin: germline. Affected: yes.

Illumina Laboratory Services, Illumina
Classification: Benign for Leukocyte adhesion deficiency type II. Last evaluated: 2018-01-12. Review status: criteria provided, single submitter. Criteria: ICSL Variant Classification Criteria 13 December 2019. Collection method: clinical testing. Allele origin: germline.
Comment: This variant was observed in the ICSL laboratory as part of a predisposition screen in an ostensibly healthy population. It had not been previously curated by ICSL or reported in the Human Gene Mutation Database (HGMD: prior to June 1st, 2018), and was therefore a candidate for classification through an automated scoring system. Utilizing variant allele frequency, disease prevalence and penetrance estimates, and inheritance mode, an automated score was calculated to assess if this variant is too frequent to cause the disease. Based on the score and internal cut-off values, a variant classified as benign is not then subjected to further curation. The score for this variant resulted in a classification of benign for this disease.

Breakthrough Genomics
Classification: Benign. Review status: criteria provided, single submitter. Criteria: ACMG Guidelines, 2015. Collection method: not provided. Allele origin: germline. Inheritance: Autosomal recessive inheritance. Affected: yes.

NM_018389.5(SLC35C1):c.-303G>C

Gene: SLC35C1 (solute carrier family 35 member C1; plus strand). Cytogenetic location: 11p11.2.
Variant type: single nucleotide variant.
Coding change: c.-303G>C on transcript NM_018389.5 (MANE Select); 303 bases upstream of the start codon, G replaced by C.
Molecular consequence: 5 prime UTR variant. On other transcripts: intron variant (4).
Genome position (GRCh38, 1-based): chr11:45,805,499, G>C. VCF-style: chr11-45805499-G-C. GRCh37 (hg19) VCF-style: chr11-45827050-G-C.
Other names: c.-31-311G>C (NM_001145266.2, NM_001145265.2); c.-219-84G>C (NM_001425155.1); c.-32+183G>C (NM_001425156.1).
Identifiers: ClinVar variation 304731 (VCV000304731.9), dbSNP rs12289963, ClinGen allele CA10638616.